The following is an entry in ClinVar:

ClinVar aggregate classification (germline): Likely pathogenic (1 of 4 stars; one submission).

Conditions:
Primary ciliary dyskinesia 3. Identifiers: Orphanet 244, MedGen C1837618, MONDO:0012085, OMIM 608644.

Submission:

Myriad Genetics, Inc.
Classification: Likely pathogenic for Primary ciliary dyskinesia 3. Last evaluated: 2022-03-17. Review status: criteria provided, single submitter. Criteria: Myriad Women's Health Autosomal Recessive and X-Linked Classification Criteria (2021). Collection method: clinical testing. Allele origin: unknown.
Comment: NM_001369.2(DNAH5):c.1152_1153delTC(H385Lfs*3) is expected to be pathogenic in the context of DNAH5-related primary ciliary dyskinesia. This variant is predicted to lead to an abnormal or absent protein product due to the creation of a premature termination codon in DNAH5, a gene where loss-of-function variants are known to be pathogenic. Please note: this variant was assessed in the context of healthy population screening.

NM_001369.3(DNAH5):c.1152_1153del (p.His385fs)

Gene: DNAH5 (dynein axonemal heavy chain 5; minus strand). Cytogenetic location: 5p15.2.
Variant type: Microsatellite.
Coding change: c.1152_1153del on transcript NM_001369.3 (MANE Select); coding-DNA positions 1152 to 1153, 2 bases deleted (TC; older notation c.1152_1153delTC).
Protein change: p.His385fs; shifts the reading frame from histidine 385.
Molecular consequence: frameshift variant.
Genome position (GRCh38, 1-based): chr5:13,916,392-13,916,393, GA deleted on the plus strand (TC on the coding strand, the reverse complement: DNAH5 is on the minus strand); deleting any 2 consecutive bases within chr5:13,916,392-13,916,397 gives the same sequence; the c. name uses the placement nearest the transcript's 3' end. VCF-style (leftmost placement, unchanged base first): chr5-13916391-TGA-T. GRCh37 (hg19) VCF-style: chr5-13916500-TGA-T.
Other names: short protein forms H385fs.
Identifiers: ClinVar variation 1725340 (VCV001725340.2), dbSNP rs2547135145, ClinGen allele CA2580613528.